The following is an entry in ClinVar:

NM_001346249.2(RALGAPA1):c.5639C>G (p.Pro1880Arg)

Gene: RALGAPA1 (Ral GTPase activating protein catalytic subunit alpha 1; minus strand). Cytogenetic location: 14q13.2.
Variant type: single nucleotide variant.
Coding change: c.5639C>G on transcript NM_001346249.2 (MANE Select); coding-DNA position 5639, C replaced by G.
Protein change: p.Pro1880Arg; replaces proline 1880 with arginine.
Molecular consequence: missense variant.
Genome position (GRCh38, 1-based): chr14:35,651,842, G>C on the plus strand (C>G on the coding strand, the complement: RALGAPA1 is on the minus strand). VCF-style: chr14-35651842-G-C. GRCh37 (hg19) VCF-style: chr14-36121048-G-C.
Other names: c.4160C>G, p.Pro1387Arg (NM_001283043.3); c.4262C>G, p.Pro1421Arg (NM_001283044.3, NM_001346245.2, NM_001346247.2); c.5498C>G, p.Pro1833Arg (NM_001330075.3, NM_001346248.2); c.4121C>G, p.Pro1374Arg (NM_001346243.2, NM_001346246.2, NM_014990.3 and 1 more transcripts); short protein forms P1374R, P1387R, P1421R, P1833R, P1880R.
Identifiers: ClinVar variation 1302963 (VCV001302963.2), dbSNP rs1265634034, ClinGen allele CA389455082.
Genomic context (GRCh38, chr14:35,651,842, plus strand): 5'-TCATCAAACAAAATTTAAATTACCCTCTTGTCCATTTCATAAGATGAAGCCTCTGTACTT[G>C]GTAAAAGATGGGTGATGGTAGCTATTAGGATCTGTAAGCAAAAAAAAATTTTTTTAAAAG-3'
Protein context (NP_001333178.1, residues 1870-1890): ILIATITHLL[Pro1880Arg]STEASSYEMD

ClinVar aggregate classification (germline): Uncertain significance (1 of 4 stars; one submission).

Allele frequency attached by ClinVar (database versions not stated): gnomAD exomes below 0.00001.

Submission:

GeneDx
Classification: Uncertain significance. Last evaluated: 2019-10-18. Review status: criteria provided, single submitter. Criteria: GeneDx Variant Classification Process June 2021. Collection method: clinical testing. Allele origin: germline. Affected: yes.
Comment: In silico analysis, which includes protein predictors and evolutionary conservation, supports a deleterious effect; Has not been previously published as pathogenic or benign to our knowledge; Variants in candidate genes are classified as variants of uncertain significance in accordance with ACMG guidelines (Richards et al., 2015)